The following is an entry in ClinVar:

NM_001040436.3(YARS2):c.226A>G (p.Ile76Val)

Gene: YARS2 (tyrosyl-tRNA synthetase 2; minus strand). Cytogenetic location: 12p11.21.
Variant type: single nucleotide variant.
Coding change: c.226A>G on transcript NM_001040436.3 (MANE Select); coding-DNA position 226, A replaced by G.
Protein change: p.Ile76Val; replaces isoleucine 76 with valine.
Molecular consequence: missense variant.
Genome position (GRCh38, 1-based): chr12:32,755,649, T>C on the plus strand (A>G on the coding strand, the complement: YARS2 is on the minus strand). VCF-style: chr12-32755649-T-C. GRCh37 (hg19) VCF-style: chr12-32908583-T-C.
Other names: short protein forms I76V.
Identifiers: ClinVar variation 1930445 (VCV001930445.5), dbSNP rs373312720, ClinGen allele CA6508213.

ClinVar aggregate classification (germline): Uncertain significance (1 of 4 stars; one submission).

Allele frequency attached by ClinVar (database versions not stated): gnomAD exomes below 0.00001; gnomAD 0.00001; TOPMed 0.00001; ExAC 0.00002; ESP Exome Variant Server 0.00008.

Submission:

Labcorp Genetics (formerly Invitae), Labcorp
Classification: Uncertain significance. Last evaluated: 2021-12-24. Review status: criteria provided, single submitter. Criteria: Invitae Variant Classification Sherloc (09022015). Collection method: clinical testing. Allele origin: germline.
Comment: This sequence change replaces isoleucine, which is neutral and non-polar, with valine, which is neutral and non-polar, at codon 76 of the YARS2 protein (p.Ile76Val). This variant is present in population databases (rs373312720, gnomAD 0.002%). This variant has not been reported in the literature in individuals affected with YARS2-related conditions. Advanced modeling of protein sequence and biophysical properties (such as structural, functional, and spatial information, amino acid conservation, physicochemical variation, residue mobility, and thermodynamic stability) performed at Invitae indicates that this missense variant is not expected to disrupt YARS2 protein function. In summary, the available evidence is currently insufficient to determine the role of this variant in disease. Therefore, it has been classified as a Variant of Uncertain Significance.